The following is an entry in ClinVar:

ClinVar aggregate classification (germline): Likely benign. Review status: criteria provided, multiple submitters, no conflicts (2 of 4 stars). 7 submissions from 7 submitters: Likely benign (4). 3 of the submissions do not count toward it. Last evaluated 2026-01-19.

Conditions:
Ullrich congenital muscular dystrophy 2 (UCMD2). Identifiers: Orphanet 75840, MedGen C4225314, MONDO:0014654, OMIM 616470.
Bethlem myopathy 2 (BTHLM2). Identifiers: Orphanet 536516, Orphanet 610, MedGen C4225313, MONDO:0034022, OMIM 616471.
COL12A1-related disorder. Also called: COL12A1-related condition.

Allele frequency attached by ClinVar (database versions not stated): gnomAD exomes 0.00003 and 0.00011; ExAC 0.00003; gnomAD 0.00005.
gnomAD v4.1: 162 of 1,613,772 alleles (0.01%); highest among the groups gnomAD compares: Non-Finnish European, 0.013%; no homozygotes.

Submissions (7):

Labcorp Genetics (formerly Invitae), Labcorp
Classification: Likely benign for Bethlem myopathy 2; Ullrich congenital muscular dystrophy 2. Last evaluated: 2026-01-19. Review status: criteria provided, single submitter. Criteria: Invitae Variant Classification Sherloc (09022015). Collection method: clinical testing. Allele origin: germline.

Women's Health and Genetics/Laboratory Corporation of America, LabCorp
Classification: Likely benign. Last evaluated: 2025-09-02. Review status: criteria provided, single submitter. Criteria: LabCorp Variant Classification Summary - May 2015. Collection method: clinical testing. Allele origin: germline.

Mayo Clinic Laboratories, Mayo Clinic
Classification: Likely benign. Last evaluated: 2025-03-25. Review status: criteria provided, single submitter. Criteria: ACMG Guidelines, 2015. Collection method: clinical testing. Allele origin: germline. Observed: 2 variant alleles.
Comment: BP4, BP7

GeneDx
Classification: Likely benign. Last evaluated: 2019-04-10. Review status: criteria provided, single submitter. Criteria: GeneDx Variant Classification Process June 2021. Collection method: clinical testing. Allele origin: germline. Affected: yes.

PreventionGenetics, part of Exact Sciences
Classification: Likely benign for COL12A1-related condition. Last evaluated: 2023-05-05. Review status: no assertion criteria provided. Collection method: clinical testing. Allele origin: germline. Not counted in ClinVar's aggregate classification.
Comment: This variant is classified as likely benign based on ACMG/AMP sequence variant interpretation guidelines (Richards et al. 2015 PMID: 25741868, with internal and published modifications).

Clinical Genetics DNA and cytogenetics Diagnostics Lab, Erasmus MC, Erasmus Medical Center
Classification: Likely benign. Review status: no assertion criteria provided. Collection method: clinical testing. Allele origin: germline. Affected: yes. Study: VKGL Data-share Consensus. Not counted in ClinVar's aggregate classification.

Genome Diagnostics Laboratory, Amsterdam University Medical Center
Classification: Likely benign. Review status: no assertion criteria provided. Collection method: clinical testing. Allele origin: germline. Affected: yes. Study: VKGL Data-share Consensus. Not counted in ClinVar's aggregate classification.

NM_004370.6(COL12A1):c.7257C>T (p.Ser2419=)

Genes: COL12A1 (collagen type XII alpha 1 chain; minus strand), LOC126859712 (MED14-independent group 3 enhancer GRCh37_chr6:75828643-75829842; plus strand). Cytogenetic location: 6q13.
Variant type: single nucleotide variant.
Coding change: c.7257C>T on transcript NM_004370.6 (MANE Select); coding-DNA position 7257, C replaced by T.
Protein change: p.Ser2419=; no amino-acid change (serine 2419 retained).
Molecular consequence: synonymous variant.
Genome position (GRCh38, 1-based): chr6:75,119,140, G>A on the plus strand (C>T on the coding strand, the complement: COL12A1 is on the minus strand). VCF-style: chr6-75119140-G-A. GRCh37 (hg19) VCF-style: chr6-75828856-G-A.
Other names: p.Ser2419=; c.3765C>T, p.Ser1255= (NM_080645.3).
Identifiers: ClinVar variation 1081176 (VCV001081176.17), dbSNP rs554342070, ClinGen allele CA3892609.